The following is an entry in ClinVar:

ClinVar aggregate classification (germline): Uncertain significance (1 of 4 stars; one submission).

Conditions:
Jeune thoracic dystrophy. Also called: Jeune syndrome; Infantile thoracic dystrophy; Thoracic pelvic phalangeal dystrophy; Jeune's syndrome; Chondroectodermal dysplasia-like syndrome; Short-rib thoracic dysplasia. Identifiers: Orphanet 474, MedGen C0265275, MONDO:0018770.
Nephronophthisis. Also called: Juvenile Nephronophthisis. Identifiers: Orphanet 655, MedGen C0687120, MONDO:0019005, HP:0000090.

Allele frequency attached by ClinVar (database versions not stated): ExAC 0.00002; TOPMed 0.00002; gnomAD 0.00003; gnomAD exomes 0.00003; ESP Exome Variant Server 0.00008.
gnomAD v4.1: 46 of 1,613,762 alleles (0.0029%); highest among the groups gnomAD compares: African/African-American, 0.0053%; no homozygotes.

Submission:

Labcorp Genetics (formerly Invitae), Labcorp
Classification: Uncertain significance for Jeune thoracic dystrophy; Nephronophthisis. Last evaluated: 2023-08-04. Review status: criteria provided, single submitter. Criteria: Invitae Variant Classification Sherloc (09022015). Collection method: clinical testing. Allele origin: germline.
Comment: In summary, the available evidence is currently insufficient to determine the role of this variant in disease. Therefore, it has been classified as a Variant of Uncertain Significance. Variants that disrupt the consensus splice site are a relatively common cause of aberrant splicing (PMID: 17576681, 9536098). Algorithms developed to predict the effect of sequence changes on RNA splicing suggest that this variant is not likely to affect RNA splicing. ClinVar contains an entry for this variant (Variation ID: 1984694). This variant has not been reported in the literature in individuals affected with TTC21B-related conditions. This variant is present in population databases (rs142112610, gnomAD 0.003%). This sequence change affects codon 558 of the TTC21B mRNA. It is a 'silent' change, meaning that it does not change the encoded amino acid sequence of the TTC21B protein. This variant also falls at the last nucleotide of exon 13, which is part of the consensus splice site for this exon.

Literature cited by the submitters: PubMed 17576681; PubMed 9536098.

NM_024753.5(TTC21B):c.1674G>A (p.Lys558=)

Gene: TTC21B (tetratricopeptide repeat domain 21B; minus strand). Cytogenetic location: 2q24.3.
Variant type: single nucleotide variant.
Coding change: c.1674G>A on transcript NM_024753.5 (MANE Select); coding-DNA position 1674, G replaced by A.
Protein change: p.Lys558=; no amino-acid change (lysine 558 retained).
Molecular consequence: synonymous variant.
Genome position (GRCh38, 1-based): chr2:165,919,276, C>T on the plus strand (G>A on the coding strand, the complement: TTC21B is on the minus strand). VCF-style: chr2-165919276-C-T. GRCh37 (hg19) VCF-style: chr2-166775786-C-T.
Identifiers: ClinVar variation 1984694 (VCV001984694.4), dbSNP rs142112610, ClinGen allele CA1942060.